The following is an entry in ClinVar:

ClinVar aggregate classification (germline): Likely benign (1 of 4 stars; one submission).

Allele frequency attached by ClinVar (database versions not stated): ESP Exome Variant Server 0.00015; gnomAD exomes 0.00018; ExAC 0.00025; gnomAD 0.00040; TOPMed 0.00048.
gnomAD v4.1: 352 of 1,612,960 alleles (0.022%); highest among the groups gnomAD compares: Middle Eastern, 0.2%; no homozygotes.

Submission:

CeGaT Center for Human Genetics Tuebingen
Classification: Likely benign. Last evaluated: 2026-04-01. Review status: criteria provided, single submitter. Criteria: CeGaT Center For Human Genetics Tuebingen Variant Classification Criteria Version 2. Collection method: clinical testing. Allele origin: germline. Affected: yes. Observed: 2 variant alleles.
Comment: COMT: BP4, BP7

NM_000754.4(COMT):c.402G>A (p.Ala134=)

Gene: COMT (catechol-O-methyltransferase; plus strand). Cytogenetic location: 22q11.21.
Variant type: single nucleotide variant.
Coding change: c.402G>A on transcript NM_000754.4 (MANE Select); coding-DNA position 402, G replaced by A.
Protein change: p.Ala134=; no amino-acid change (alanine 134 retained).
Molecular consequence: synonymous variant.
Genome position (GRCh38, 1-based): chr22:19,963,678, G>A. VCF-style: chr22-19963678-G-A. GRCh37 (hg19) VCF-style: chr22-19951201-G-A.
Other names: c.402G>A, p.Ala134= (NM_001135161.2, NM_001135162.2, NM_001362828.2); c.252G>A, p.Ala84= (NM_007310.3).
Identifiers: ClinVar variation 3239101 (VCV003239101.19), dbSNP rs769223.
Genomic context (GRCh38, chr22:19,963,678, plus strand): 5'-GCTGGGGGCCTACTGTGGCTACTCAGCTGTGCGCATGGCCCGCCTGCTGTCACCAGGGGC[G>A]AGGCTCATCACCATCGAGATCAACCCCGACTGTGCCGCCATCACCCAGCGGATGGTGGAT-3'
Protein context (NP_000745.1, residues 124-144): VRMARLLSPG[Ala134=]RLITIEINPD